The following is an entry in ClinVar:

ClinVar aggregate classification (germline): Uncertain significance. Review status: criteria provided, multiple submitters, no conflicts (2 of 4 stars). 3 submissions from 3 submitters: Uncertain significance (2). 1 of the submissions does not count toward it. Last evaluated 2025-09-03.

Conditions:
RAI1-related disorder. Also called: RAI1-related condition.

Allele frequency attached by ClinVar (database versions not stated): ExAC 0.00001; gnomAD 0.00001; gnomAD exomes 0.00001.
gnomAD v4.1: 11 of 1,613,928 alleles (0.00068%); highest among the groups gnomAD compares: South Asian, 0.0011%; no homozygotes.

Submissions (3):

Labcorp Genetics (formerly Invitae), Labcorp
Classification: Uncertain significance. Last evaluated: 2025-09-03. Review status: criteria provided, single submitter. Criteria: Invitae Variant Classification Sherloc (09022015). Collection method: clinical testing. Allele origin: germline.
Comment: This sequence change replaces proline, which is neutral and non-polar, with leucine, which is neutral and non-polar, at codon 730 of the RAI1 protein (p.Pro730Leu). This variant is present in population databases (rs752227655, gnomAD 0.003%). This variant has not been reported in the literature in individuals affected with RAI1-related conditions. ClinVar contains an entry for this variant (Variation ID: 1694831). Invitae Evidence Modeling of protein sequence and biophysical properties (such as structural, functional, and spatial information, amino acid conservation, physicochemical variation, residue mobility, and thermodynamic stability) indicates that this missense variant is not expected to disrupt RAI1 protein function with a negative predictive value of 80%. In summary, the available evidence is currently insufficient to determine the role of this variant in disease. Therefore, it has been classified as a Variant of Uncertain Significance.

CeGaT Center for Human Genetics Tuebingen
Classification: Uncertain significance. Last evaluated: 2022-05-01. Review status: criteria provided, single submitter. Criteria: CeGaT Center For Human Genetics Tuebingen Variant Classification Criteria Version 2. Collection method: clinical testing. Allele origin: germline. Affected: yes. Observed: 1 variant allele.

PreventionGenetics, part of Exact Sciences
Classification: Uncertain significance for RAI1-related condition. Last evaluated: 2023-10-27. Review status: no assertion criteria provided. Collection method: clinical testing. Allele origin: germline. Not counted in ClinVar's aggregate classification.
Comment: The RAI1 c.2189C>T variant is predicted to result in the amino acid substitution p.Pro730Leu. To our knowledge, this variant has not been reported in the literature. This variant is reported in 0.0033% of alleles in individuals of South Asian descent in gnomAD. At this time, the clinical significance of this variant is uncertain due to the absence of conclusive functional and genetic evidence.

NM_030665.4(RAI1):c.2189C>T (p.Pro730Leu)

Gene: RAI1 (retinoic acid induced 1; plus strand). Cytogenetic location: 17p11.2.
Variant type: single nucleotide variant.
Coding change: c.2189C>T on transcript NM_030665.4 (MANE Select); coding-DNA position 2189, C replaced by T.
Protein change: p.Pro730Leu; replaces proline 730 with leucine.
Molecular consequence: missense variant.
Genome position (GRCh38, 1-based): chr17:17,795,137, C>T. VCF-style: chr17-17795137-C-T. GRCh37 (hg19) VCF-style: chr17-17698451-C-T.
Other names: c.2189C>T (NM_030665.3); short protein forms P730L.
Identifiers: ClinVar variation 1694831 (VCV001694831.32), dbSNP rs752227655, ClinGen allele CA8418482.